The following is an entry in ClinVar:

NM_007294.4(BRCA1):c.122_134delinsT (p.His41_Lys45delinsLeu)

Gene: BRCA1 (BRCA1 DNA repair associated; minus strand). Cytogenetic location: 17q21.31.
Variant type: Indel.
Coding change: c.122_134delinsT on transcript NM_007294.4 (MANE Select); coding-DNA positions 122 to 134, ACATATTTTGCAA replaced by T.
Protein change: p.His41_Lys45delinsLeu.
Molecular consequence: inframe indel. On other transcripts: non-coding transcript variant (1), intron variant (1).
Genome position (GRCh38, 1-based): chr17:43,115,726-43,115,738, TTGCAAAATATGT replaced by A on the plus strand (ACATATTTTGCAA replaced by T on the coding strand, the reverse complement: BRCA1 is on the minus strand). VCF-style: chr17-43115726-TTGCAAAATATGT-A. GRCh37 (hg19) VCF-style: chr17-41267743-TTGCAAAATATGT-A.
Other names: c.122_134delACATATTTTGCAAinsT, p.His41_Lys45delinsLeu (NM_001407972.1, NM_001407976.1, NM_001407973.1 and 190 more transcripts); c.-67_-55delACATATTTTGCAAinsT (NM_001407571.1, NM_001407853.1, NM_001407879.1 and 52 more transcripts); c.-136_-124delACATATTTTGCAAinsT (NM_001407694.1, NM_001407696.1, NM_001407724.1 and 13 more transcripts); c.-140_-128delACATATTTTGCAAinsT (NM_001407695.1, NM_001408465.1); c.-20_-8delACATATTTTGCAAinsT (NM_001407697.1, NM_001407725.1, NM_001407728.1 and 47 more transcripts); c.-183_-171delACATATTTTGCAAinsT (NM_001407889.1, NM_001407900.1, NM_001408492.1); c.-182_-170delACATATTTTGCAAinsT (NM_001407960.1, NM_001407962.1, NM_001408510.1 and 1 more transcripts); c.-298_-286delACATATTTTGCAAinsT (NM_001407965.1); and 2 more.
Identifiers: ClinVar variation 462553 (VCV000462553.4), dbSNP rs1555599205, ClinGen allele CA658656687.

ClinVar aggregate classification (germline): Likely pathogenic (1 of 4 stars; one submission).

Conditions:
Hereditary breast ovarian cancer syndrome. Also called: Hereditary breast and ovarian cancer syndrome (HBOC); Hereditary breast and ovarian cancer syndrome; Breast and ovarian cancer; Hereditary breast and/or ovarian cancer syndrome; Hereditary breast and ovarian cancer; BRCA1- and BRCA2-Associated Hereditary Breast and Ovarian Cancer. Identifiers: Orphanet 145, MedGen C0677776, MeSH D061325, MONDO:0003582. Disease mechanism: loss of function.

Submission:

Labcorp Genetics (formerly Invitae), Labcorp
Classification: Likely pathogenic for Hereditary breast ovarian cancer syndrome. Last evaluated: 2025-04-01. Review status: criteria provided, single submitter. Criteria: Invitae Variant Classification Sherloc (09022015). Collection method: clinical testing. Allele origin: germline.
Comment: This variant, c.122_134delinsT, is a complex sequence change that results in the deletion of last 5 amino acid residues of exon 3 BRCA1 protein and insertion of 1 amino acid(s) in the BRCA1 protein (p.His41_Lys45delinsLeu). This variant is not present in population databases (gnomAD no frequency). This variant has not been reported in the literature in individuals affected with BRCA1-related conditions. Experimental studies and prediction algorithms are not available or were not evaluated, and the functional significance of this variant is currently unknown. Algorithms developed to predict the effect of sequence changes on RNA splicing suggest that this variant may disrupt the consensus splice site. This variant disrupts the p.Cys44 amino acid residue in BRCA1. Other variant(s) that disrupt this residue have been determined to be pathogenic (PMID: 15168169, 18159056, 21922593, 23633455, 24489791, 25777348, 25823446, 27083775, 16267036,19543972). This suggests that this residue is clinically significant, and that variants that disrupt this residue are likely to be disease-causing. In summary, the currently available evidence indicates that the variant is pathogenic, but additional data are needed to prove that conclusively. Therefore, this variant has been classified as Likely Pathogenic.

Literature cited by the submitters: PubMed 15168169; PubMed 18159056; PubMed 21922593; PubMed 23633455; PubMed 24489791; PubMed 25777348; PubMed 25823446; PubMed 27083775; PubMed 16267036; PubMed 19543972.